The following is an entry in ClinVar:

ClinVar aggregate classification (germline): Likely benign (1 of 4 stars; one submission).

Allele frequency attached by ClinVar (database versions not stated): ESP Exome Variant Server 0.00185; gnomAD 0.00321; 1000 Genomes Project 0.00180; TOPMed 0.00271; 1000 Genomes Project 30x 0.00203; ExAC 0.00379; gnomAD exomes 0.00399.
gnomAD v4.1: 6,285 of 1,613,314 alleles (0.39%); highest among the groups gnomAD compares: South Asian, 0.64%; 28 homozygotes.

Submission:

CeGaT Center for Human Genetics Tuebingen
Classification: Likely benign. Last evaluated: 2022-12-01. Review status: criteria provided, single submitter. Criteria: CeGaT Center For Human Genetics Tuebingen Variant Classification Criteria Version 2. Collection method: clinical testing. Allele origin: germline. Affected: yes. Observed: 1 variant allele.
Comment: KCNK16: BS2

NM_001135105.2(KCNK16):c.*84C>T

Gene: KCNK16 (potassium two pore domain channel subfamily K member 16; minus strand). Cytogenetic location: 6p21.2.
Variant type: single nucleotide variant.
Coding change: c.*84C>T on transcript NM_001135105.2; 84 bases downstream of the stop codon, C replaced by T.
Molecular consequence: 3 prime UTR variant. On other transcripts: nonsense (3).
Genome position (GRCh38, 1-based): chr6:39,315,040, G>A on the plus strand (C>T on the coding strand, the complement: KCNK16 is on the minus strand). VCF-style: chr6-39315040-G-A. GRCh37 (hg19) VCF-style: chr6-39282816-G-A.
Other names: c.751C>T, p.Gln251Ter (NM_001135107.2); c.556C>T, p.Gln186Ter (NM_001363784.1); c.892C>T, p.Gln298Ter (NM_032115.4); short protein forms Q186*, Q251*, Q298*.
Identifiers: ClinVar variation 2656533 (VCV002656533.22), dbSNP rs138573996, ClinGen allele CA3793326.